The following is an entry in ClinVar:

NM_001363711.2(DUOX2):c.3847+5C>T

Gene: DUOX2 (dual oxidase 2; minus strand). Cytogenetic location: 15q21.1.
Variant type: single nucleotide variant.
Coding change: c.3847+5C>T on transcript NM_001363711.2 (MANE Select); 5 bases into the intron after coding-DNA position 3847, C replaced by T.
Molecular consequence: intron variant.
Genome position (GRCh38, 1-based): chr15:45,097,233, G>A on the plus strand (C>T on the coding strand, the complement: DUOX2 is on the minus strand). VCF-style: chr15-45097233-G-A. GRCh37 (hg19) VCF-style: chr15-45389431-G-A.
Other names: c.3847+5C>T (NM_014080.5).
Identifiers: ClinVar variation 4748434 (VCV004748434.1).
Genomic context (GRCh38, chr15:45,097,233, plus strand): 5'-TGTCTCCCCATGTCTGAAGATTTGGCCTCTGTCGCTCCCGACCCAGGTCAGGCTGGGCCT[G>A]ATACCTGAGGGCAGCAGCTCCGCCTTCACCACGCTGATCTCCACCTTCTTCCGGCTCAGG-3'

ClinVar aggregate classification (germline): Uncertain significance (1 of 4 stars; one submission).

Submission:

Labcorp Genetics (formerly Invitae), Labcorp
Classification: Uncertain significance. Last evaluated: 2025-09-04. Review status: criteria provided, single submitter. Criteria: Invitae Variant Classification Sherloc (09022015). Collection method: clinical testing. Allele origin: germline.
Comment: This sequence change falls in intron 29 of the DUOX2 gene. It does not directly change the encoded amino acid sequence of the DUOX2 protein. It affects a nucleotide within the consensus splice site. This variant is not present in population databases (gnomAD no frequency). This variant has not been reported in the literature in individuals affected with DUOX2-related conditions. Variants that disrupt the consensus splice site are a relatively common cause of aberrant splicing (PMID: 17576681, 9536098). Algorithms developed to predict the effect of sequence changes on RNA splicing suggest that this variant is not likely to affect RNA splicing. In summary, the available evidence is currently insufficient to determine the role of this variant in disease. Therefore, it has been classified as a Variant of Uncertain Significance.

Literature cited by the submitters: PubMed 17576681; PubMed 9536098.